The following is an entry in ClinVar:

NM_006206.6(PDGFRA):c.2898C>A (p.His966Gln)

Gene: PDGFRA (platelet derived growth factor receptor alpha; plus strand). Cytogenetic location: 4q12.
Variant type: single nucleotide variant.
Coding change: c.2898C>A on transcript NM_006206.6 (MANE Select); coding-DNA position 2898, C replaced by A.
Protein change: p.His966Gln; replaces histidine 966 with glutamine.
Molecular consequence: missense variant.
Genome position (GRCh38, 1-based): chr4:54,290,330, C>A. VCF-style: chr4-54290330-C-A. GRCh37 (hg19) VCF-style: chr4-55156497-C-A.
Other names: c.2973C>A, p.His991Gln (NM_001347828.2); c.2898C>A, p.His966Gln (NM_001347829.2); c.2937C>A, p.His979Gln (NM_001347830.2); short protein forms H991Q, H966Q, H979Q.
Identifiers: ClinVar variation 1970184 (VCV001970184.5), dbSNP rs1724560253, ClinGen allele CA356895945.

ClinVar aggregate classification (germline): Uncertain significance (1 of 4 stars; one submission).

Conditions:
Gastrointestinal stromal tumor. Also called: Gastrointestinal stroma tumor; Gastrointestinal stromal tumor, somatic. Identifiers: Orphanet 44890, MedGen C0238198, MeSH D046152, MONDO:0011719, OMIM 606764, HP:0100723.

Submission:

Labcorp Genetics (formerly Invitae), Labcorp
Classification: Uncertain significance for Gastrointestinal stromal tumor. Last evaluated: 2022-01-17. Review status: criteria provided, single submitter. Criteria: Invitae Variant Classification Sherloc (09022015). Collection method: clinical testing. Allele origin: germline.
Comment: In summary, the available evidence is currently insufficient to determine the role of this variant in disease. Therefore, it has been classified as a Variant of Uncertain Significance. Algorithms developed to predict the effect of missense changes on protein structure and function are either unavailable or do not agree on the potential impact of this missense change (SIFT: "Tolerated"; PolyPhen-2: "Possibly Damaging"; Align-GVGD: "Class C0"). This variant has not been reported in the literature in individuals affected with PDGFRA-related conditions. This variant is not present in population databases (gnomAD no frequency). This sequence change replaces histidine, which is basic and polar, with glutamine, which is neutral and polar, at codon 966 of the PDGFRA protein (p.His966Gln).